The following is an entry in ClinVar:

NM_173689.7(CRB2):c.2043C>T (p.Ser681=)

Gene: CRB2 (crumbs cell polarity complex component 2; plus strand). Cytogenetic location: 9q33.3.
Variant type: single nucleotide variant.
Coding change: c.2043C>T on transcript NM_173689.7 (MANE Select); coding-DNA position 2043, C replaced by T.
Protein change: p.Ser681=; no amino-acid change (serine 681 retained).
Molecular consequence: synonymous variant. On other transcripts: non-coding transcript variant (1).
Genome position (GRCh38, 1-based): chr9:123,371,185, C>T. VCF-style: chr9-123371185-C-T. GRCh37 (hg19) VCF-style: chr9-126133464-C-T.
Other names: c.2043C>T (NM_173689.5).
Identifiers: ClinVar variation 772939 (VCV000772939.42), dbSNP rs151243935, ClinGen allele CA5232121.

ClinVar aggregate classification (germline): Benign/Likely benign. Review status: criteria provided, multiple submitters, no conflicts (2 of 4 stars). 9 submissions from 9 submitters: Benign (3); Likely benign (5). 1 of the submissions does not count toward it. Last evaluated 2025-11-25.

Conditions:
Ventriculomegaly-cystic kidney disease. Also called: Ventriculomegaly with cystic kidney disease. Identifiers: Orphanet 443988, MedGen C1857423, MONDO:0009063, OMIM 219730.
Inborn genetic diseases. Identifiers: MedGen C0950123, MeSH D030342.
CRB2-related disorder. Also called: CRB2-related condition; CRB2-related disorders.

Allele frequency attached by ClinVar (database versions not stated): gnomAD 0.00041 and 0.00048; ESP Exome Variant Server 0.00046; TOPMed 0.00047; gnomAD exomes 0.00048 and 0.00074; ExAC 0.00063; 1000 Genomes Project 0.00080; 1000 Genomes Project 30x 0.00094.

Submissions (9):

Labcorp Genetics (formerly Invitae), Labcorp
Classification: Benign. Last evaluated: 2025-11-25. Review status: criteria provided, single submitter. Criteria: Invitae Variant Classification Sherloc (09022015). Collection method: clinical testing. Allele origin: germline.

Laboratory of Genetics, Children's Clinical University Hospital Latvia
Classification: Benign. Last evaluated: 2025-02-16. Review status: criteria provided, single submitter. Criteria: ACMG Guidelines, 2015. Collection method: clinical testing. Allele origin: germline. Affected: yes.

CeGaT Center for Human Genetics Tuebingen
Classification: Likely benign. Last evaluated: 2025-01-01. Review status: criteria provided, single submitter. Criteria: CeGaT Center For Human Genetics Tuebingen Variant Classification Criteria Version 2. Collection method: clinical testing. Allele origin: germline. Affected: yes. Observed: 2 variant alleles.
Comment: CRB2: BP4, BP7

Blueprint Genetics
Classification: Likely benign. Last evaluated: 2024-11-26. Review status: criteria provided, single submitter. Criteria: ACMG Guidelines, 2015. Collection method: clinical testing. Allele origin: germline.

Ambry Genetics
Classification: Likely benign for Inborn genetic diseases. Last evaluated: 2024-07-02. Review status: criteria provided, single submitter. Criteria: Ambry Variant Classification Scheme 2023. Collection method: clinical testing. Allele origin: germline.

Genome-Nilou Lab
Classification: Benign for Ventriculomegaly-cystic kidney disease. Last evaluated: 2021-07-30. Review status: criteria provided, single submitter. Criteria: ACMG Guidelines, 2015. Collection method: clinical testing. Allele origin: germline. Affected: no.

GeneDx
Classification: Likely benign. Last evaluated: 2020-11-16. Review status: criteria provided, single submitter. Criteria: GeneDx Variant Classification Process June 2021. Collection method: clinical testing. Allele origin: germline. Affected: yes.

Breakthrough Genomics
Classification: Likely benign. Review status: criteria provided, single submitter. Criteria: ACMG Guidelines, 2015. Collection method: not provided. Allele origin: germline. Inheritance: Autosomal recessive inheritance. Affected: yes.

PreventionGenetics, part of Exact Sciences
Classification: Likely benign for CRB2-related condition. Last evaluated: 2019-04-08. Review status: no assertion criteria provided. Collection method: clinical testing. Allele origin: germline. Not counted in ClinVar's aggregate classification.
Comment: This variant is classified as likely benign based on ACMG/AMP sequence variant interpretation guidelines (Richards et al. 2015 PMID: 25741868, with internal and published modifications).